The following is an entry in ClinVar:

NM_001267550.2(TTN):c.55403dup (p.Thr18469fs)

Genes: TTN (titin; minus strand), TTN-AS1 (TTN antisense RNA 1; plus strand). Cytogenetic location: 2q31.2.
Variant type: Duplication.
Coding change: c.55403dup on transcript NM_001267550.2 (MANE Select); coding-DNA position 55403, one base duplicated (A; older notation c.55403dupA).
Protein change: p.Thr18469fs; shifts the reading frame from threonine 18469.
Molecular consequence: frameshift variant.
Genome position (GRCh38, 1-based): chr2:178,601,687, T duplicated on the plus strand (A on the coding strand, the reverse complement: TTN is on the minus strand); the first of 4 consecutive T bases (chr2:178,601,687-178,601,690); duplicating any one gives the same sequence. VCF-style (leftmost placement, unchanged base first): chr2-178601686-C-CT. GRCh37 (hg19) VCF-style: chr2-179466413-C-CT.
Other names: c.50480dup, p.Thr16828fs (NM_001256850.1); c.28208dup, p.Thr9404fs (NM_003319.4); c.47699dup, p.Thr15901fs (NM_133378.4); c.28583dup, p.Thr9529fs (NM_133432.3); c.28784dup, p.Thr9596fs (NM_133437.4); c.28208dupA (NM_003319.4); c.55403dup (NM_001267550.1); short protein forms T9596fs, T15901fs, T18469fs, T9404fs, T9529fs, T16828fs.
Identifiers: ClinVar variation 1796441 (VCV001796441.9), dbSNP rs2470013243, ClinGen allele CA2580064720.

ClinVar aggregate classification (germline): Likely pathogenic. Review status: criteria provided, multiple submitters, no conflicts (2 of 4 stars). 3 submissions from 3 submitters: Likely pathogenic (3). Last evaluated 2026-09-30.

Conditions:
Cardiovascular phenotype. Identifiers: MedGen CN230736.
Dilated cardiomyopathy 1G (CMD1G). Identifiers: Orphanet 154, MedGen C1858763, MONDO:0011400, OMIM 604145.
Autosomal recessive limb-girdle muscular dystrophy type 2J (LGMDR10). Also called: Limb-girdle muscular dystrophy, type 2J; MUSCULAR DYSTROPHY, LIMB-GIRDLE, AUTOSOMAL RECESSIVE 10. Identifiers: Orphanet 140922, MedGen C1837342, MONDO:0012127, OMIM 608807.

Submissions (3):

GeneDx
Classification: Likely pathogenic. Last evaluated: 2026-09-30. Review status: criteria provided, single submitter. Criteria: GeneDx Variant Classification Process June 2021. Collection method: clinical testing. Allele origin: germline.
Comment: Frameshift variant predicted to result in protein truncation or nonsense mediated decay in a gene for which loss of function is a known mechanism of disease; Not observed at significant frequency in large population cohorts (gnomAD); Has not been previously published as pathogenic or benign to our knowledge; Located in the A-band, a region of TTN for which truncating variants are significantly associated with autosomal dominant cardiomyopathy and also with autosomal recessive skeletal myopathies (PMID: 22335739, 32778822); This variant is associated with the following publications: (PMID: 24575448, 22335739, 32778822)

Labcorp Genetics (formerly Invitae), Labcorp
Classification: Likely pathogenic for Dilated cardiomyopathy 1G; Autosomal recessive limb-girdle muscular dystrophy type 2J. Last evaluated: 2023-02-14. Review status: criteria provided, single submitter. Criteria: Invitae Variant Classification Sherloc (09022015). Collection method: clinical testing. Allele origin: germline.
Comment: ClinVar contains an entry for this variant (Variation ID: 1796441). In summary, the currently available evidence indicates that the variant is pathogenic, but additional data are needed to prove that conclusively. Therefore, this variant has been classified as Likely Pathogenic. This variant is located in the A band of TTN (PMID: 25589632). Truncating variants in this region are significantly overrepresented in patients affected with dilated cardiomyopathy (PMID: 25589632). Truncating variants in this region have also been reported in individuals affected with autosomal recessive centronuclear myopathy (PMID: 23975875). This variant has not been reported in the literature in individuals affected with TTN-related conditions. This variant is not present in population databases (gnomAD no frequency). This sequence change creates a premature translational stop signal (p.Thr18469Aspfs*7) in the TTN gene. While this is not anticipated to result in nonsense mediated decay, it is expected to create a truncated TTN protein.

Ambry Genetics
Classification: Likely pathogenic for Cardiovascular phenotype. Last evaluated: 2020-07-16. Review status: criteria provided, single submitter. Criteria: Ambry Variant Classification Scheme 2023. Collection method: clinical testing. Allele origin: germline.
Comment: The c.28208dupA variant, located in coding exon 113 of the TTN gene, results from a duplication of A at nucleotide position 28208, causing a translational frameshift with a predicted alternate stop codon (p.T9404Dfs*7). This exon is located in the A-band region of the N2-B isoform of the titin protein and is constitutively expressed in TTN transcripts (percent spliced in or PSI 100%). This alteration is expected to result in loss of function by premature protein truncation or nonsense-mediated mRNA decay. While truncating variants in TTN are present in 1-3% of the general population, truncating variants in the A-band are the most common cause of dilated cardiomyopathy (DCM) (Herman DS et al. N. Engl. J. Med., 2012 Feb;366:619-28; Roberts AM et al. Sci Transl Med, 2015 Jan;7:270ra6). TTN truncating variants encoded in constitutive exons (PSI >90%) have been found to be significantly associated with DCM regardless of their position in titin (Schafer S et al. Nat. Genet., 2017 01;49:46-53). As such, this alteration is classified as likely pathogenic.

Literature cited by the submitters: PubMed 25589632 (cited by Labcorp Genetics (formerly Invitae), Labcorp); PubMed 23975875 (cited by Labcorp Genetics (formerly Invitae), Labcorp).